The following is an entry in ClinVar:

ClinVar aggregate classification (germline): Uncertain significance (1 of 4 stars; one submission).

Conditions:
Cardiovascular phenotype. Identifiers: MedGen CN230736.

Submission:

Ambry Genetics
Classification: Uncertain significance for Cardiovascular phenotype. Last evaluated: 2025-06-09. Review status: criteria provided, single submitter. Criteria: Ambry Variant Classification Scheme 2023. Collection method: clinical testing. Allele origin: germline.
Comment: The p.H340Y variant (also known as c.1018C>T), located in coding exon 6 of the EPHB4 gene, results from a C to T substitution at nucleotide position 1018. The histidine at codon 340 is replaced by tyrosine, an amino acid with similar properties. This amino acid position is conserved. In addition, this alteration is predicted to be tolerated by in silico analysis. Based on the available evidence, the clinical significance of this variant remains unclear.

NM_004444.5(EPHB4):c.1018C>T (p.His340Tyr)

Gene: EPHB4 (EPH receptor B4; minus strand). Cytogenetic location: 7q22.1.
Variant type: single nucleotide variant.
Coding change: c.1018C>T on transcript NM_004444.5 (MANE Select); coding-DNA position 1018, C replaced by T.
Protein change: p.His340Tyr; replaces histidine 340 with tyrosine.
Molecular consequence: missense variant.
Genome position (GRCh38, 1-based): chr7:100,819,836, G>A on the plus strand (C>T on the coding strand, the complement: EPHB4 is on the minus strand). VCF-style: chr7-100819836-G-A. GRCh37 (hg19) VCF-style: chr7-100417458-G-A.
Other names: short protein forms H340Y.
Identifiers: ClinVar variation 4018822 (VCV004018822.1).